The following is an entry in ClinVar:

ClinVar aggregate classification (germline): Uncertain significance (1 of 4 stars; one submission).

gnomAD v4.1: 3 of 1,614,046 alleles (0.00019%); highest among the groups gnomAD compares: Admixed American, 0.0033%; no homozygotes.

Submission:

Labcorp Genetics (formerly Invitae), Labcorp
Classification: Uncertain significance. Last evaluated: 2024-05-07. Review status: criteria provided, single submitter. Criteria: Invitae Variant Classification Sherloc (09022015). Collection method: clinical testing. Allele origin: germline.
Comment: This sequence change affects codon 252 of the DLST mRNA. It is a 'silent' change, meaning that it does not change the encoded amino acid sequence of the DLST protein. This variant is present in population databases (rs781765510, gnomAD 0.006%). This variant has not been reported in the literature in individuals affected with DLST-related conditions. Experimental studies and prediction algorithms are not available or were not evaluated, and the functional significance of this variant is currently unknown. In summary, the available evidence is currently insufficient to determine the role of this variant in disease. Therefore, it has been classified as a Variant of Uncertain Significance.

NM_001933.5(DLST):c.756T>C (p.Asn252=)

Gene: DLST (dihydrolipoamide S-succinyltransferase; plus strand). Cytogenetic location: 14q24.3.
Variant type: single nucleotide variant.
Coding change: c.756T>C on transcript NM_001933.5 (MANE Select); coding-DNA position 756, T replaced by C.
Protein change: p.Asn252=; no amino-acid change (asparagine 252 retained).
Molecular consequence: synonymous variant. On other transcripts: non-coding transcript variant (2).
Genome position (GRCh38, 1-based): chr14:74,894,395, T>C. VCF-style: chr14-74894395-T-C. GRCh37 (hg19) VCF-style: chr14-75361098-T-C.
Identifiers: ClinVar variation 3624516 (VCV003624516.2).